The following is an entry in ClinVar:

ClinVar aggregate classification (germline): Uncertain significance (1 of 4 stars; one submission).

Submission:

Ambry Genetics
Classification: Uncertain significance. Last evaluated: 2026-07-27. Review status: criteria provided, single submitter. Criteria: Ambry Variant Classification Scheme 2023. Collection method: clinical testing. Allele origin: germline.
Comment: The p.R82G variant (also known as c.244C>G), located in coding exon 1 of the WNK2 gene, results from a C to G substitution at nucleotide position 244. The arginine at codon 82 is replaced by glycine, an amino acid with dissimilar properties. This amino acid position is conserved. In addition, this alteration is predicted to be tolerated by in silico analysis. Based on the available evidence, the clinical significance of this variant remains unclear.

NM_006648.4(WNK2):c.244C>G (p.Arg82Gly)

Gene: WNK2 (WNK lysine deficient protein kinase 2; plus strand). Cytogenetic location: 9q22.31.
Variant type: single nucleotide variant.
Coding change: c.244C>G on transcript NM_006648.4 (MANE Select); coding-DNA position 244, C replaced by G.
Protein change: p.Arg82Gly; replaces arginine 82 with glycine.
Molecular consequence: missense variant.
Genome position (GRCh38, 1-based): chr9:93,185,173, C>G. VCF-style: chr9-93185173-C-G. GRCh37 (hg19) VCF-style: chr9-95947455-C-G.
Other names: c.244C>G, p.Arg82Gly (NM_001282394.3); short protein forms R82G.
Identifiers: ClinVar variation 5031885 (VCV005031885.1).